The following is an entry in ClinVar:

ClinVar aggregate classification (germline): Uncertain significance (1 of 4 stars; one submission).

Allele frequency attached by ClinVar (database versions not stated): gnomAD exomes below 0.00001.
gnomAD v4.1: 1 of 1,613,682 alleles (0.000062%); highest among the groups gnomAD compares: Non-Finnish European, 0.000085%; no homozygotes.

Submission:

Labcorp Genetics (formerly Invitae), Labcorp
Classification: Uncertain significance. Last evaluated: 2022-03-08. Review status: criteria provided, single submitter. Criteria: Invitae Variant Classification Sherloc (09022015). Collection method: clinical testing. Allele origin: germline.
Comment: In summary, the available evidence is currently insufficient to determine the role of this variant in disease. Therefore, it has been classified as a Variant of Uncertain Significance. Algorithms developed to predict the effect of missense changes on protein structure and function are either unavailable or do not agree on the potential impact of this missense change (SIFT: "Tolerated"; PolyPhen-2: "Possibly Damaging"; Align-GVGD: "Class C0"). This variant has not been reported in the literature in individuals affected with RASA2-related conditions. This variant is present in population databases (no rsID available, gnomAD 0.0009%). This sequence change replaces lysine, which is basic and polar, with glutamic acid, which is acidic and polar, at codon 624 of the RASA2 protein (p.Lys624Glu).

NM_006506.5(RASA2):c.1870A>G (p.Lys624Glu)

Gene: RASA2 (RAS p21 protein activator 2; plus strand). Cytogenetic location: 3q23.
Variant type: single nucleotide variant.
Coding change: c.1870A>G on transcript NM_006506.5 (MANE Select); coding-DNA position 1870, A replaced by G.
Protein change: p.Lys624Glu; replaces lysine 624 with glutamic acid.
Molecular consequence: missense variant.
Genome position (GRCh38, 1-based): chr3:141,586,689, A>G. VCF-style: chr3-141586689-A-G. GRCh37 (hg19) VCF-style: chr3-141305531-A-G.
Other names: c.1870A>G, p.Lys624Glu (NM_001303245.3, NM_001303246.3); short protein forms K624E.
Identifiers: ClinVar variation 1449483 (VCV001449483.6), dbSNP rs1266715485, ClinGen allele CA354782167.